The following is an entry in ClinVar:

NM_147127.5(EVC2):c.1006-12A>G

Gene: EVC2 (EvC ciliary complex subunit 2; minus strand). Cytogenetic location: 4p16.2.
Variant type: single nucleotide variant.
Coding change: c.1006-12A>G on transcript NM_147127.5 (MANE Select); 12 bases into the intron before coding-DNA position 1006, A replaced by G.
Molecular consequence: intron variant.
Genome position (GRCh38, 1-based): chr4:5,663,258, T>C on the plus strand (A>G on the coding strand, the complement: EVC2 is on the minus strand). VCF-style: chr4-5663258-T-C. GRCh37 (hg19) VCF-style: chr4-5664985-T-C.
Other names: c.766-12A>G (NM_001166136.2).
Identifiers: ClinVar variation 1398232 (VCV001398232.9), dbSNP rs1205381388, ClinGen allele CA648116360.

ClinVar aggregate classification (germline): Uncertain significance (1 of 4 stars; one submission).

Conditions:
Ellis-van Creveld syndrome (EVC). Also called: EVC-Related Ellis-van Creveld Syndrome; EVC2-Related Ellis-van Creveld Syndrome; Chondroectodermal dysplasia; MESOECTODERMAL DYSPLASIA. Identifiers: Orphanet 289, MedGen C0013903, MONDO:0009162, OMIM 225500.
Curry-Hall syndrome (WAD). Also called: WEYERS ACRODENTAL DYSOSTOSIS. Identifiers: Orphanet 952, MedGen C0457013, MONDO:0008673, OMIM 193530.

Allele frequency attached by ClinVar (database versions not stated): gnomAD exomes below 0.00001; TOPMed below 0.00001; gnomAD 0.00001.

Submission:

Labcorp Genetics (formerly Invitae), Labcorp
Classification: Uncertain significance for Curry-Hall syndrome; Ellis-van Creveld syndrome. Last evaluated: 2021-04-01. Review status: criteria provided, single submitter. Criteria: Invitae Variant Classification Sherloc (09022015). Collection method: clinical testing. Allele origin: germline.
Comment: Algorithms developed to predict the effect of sequence changes on RNA splicing suggest that this variant may create or strengthen a splice site, but this prediction has not been confirmed by published transcriptional studies. This variant has not been reported in the literature in individuals with EVC2-related conditions. This variant is not present in population databases (ExAC no frequency). This sequence change falls in intron 8 of the EVC2 gene. It does not directly change the encoded amino acid sequence of the EVC2 protein. In summary, the available evidence is currently insufficient to determine the role of this variant in disease. Therefore, it has been classified as a Variant of Uncertain Significance.